The following is an entry in ClinVar:

ClinVar aggregate classification (germline): Uncertain significance (1 of 4 stars; one submission).

Conditions:
Hypogonadotropic hypogonadism 18 with or without anosmia (HH18). Identifiers: Orphanet 478, MedGen C3808975, MONDO:0014103, OMIM 615267.

gnomAD v4.1: 1 of 1,605,588 alleles (0.000062%); highest among the groups gnomAD compares: Non-Finnish European, 0.000085%; no homozygotes.

Submission:

Juno Genomics, Hangzhou Juno Genomics, Inc
Classification: Uncertain significance for Hypogonadotropic hypogonadism 18 with or without anosmia. Review status: criteria provided, single submitter. Criteria: ACMG Guidelines, 2015. Collection method: clinical testing. Allele origin: germline.
Comment: Absent from controls (or at extremely low frequency if recessive) in Genome Aggregation Database.

NM_017563.5(IL17RD):c.2017G>T (p.Glu673Ter)

Genes: IL17RD (interleukin 17 receptor D; minus strand), LOC126806689 (BRD4-independent group 4 enhancer GRCh37_chr3:57131244-57132443; plus strand). Cytogenetic location: 3p14.3.
Variant type: single nucleotide variant.
Coding change: c.2017G>T on transcript NM_017563.5 (MANE Select); coding-DNA position 2017, G replaced by T.
Protein change: p.Glu673Ter; replaces glutamic acid 673 with a stop codon.
Molecular consequence: nonsense.
Genome position (GRCh38, 1-based): chr3:57,097,686, C>A on the plus strand (G>T on the coding strand, the complement: IL17RD is on the minus strand). VCF-style: chr3-57097686-C-A. GRCh37 (hg19) VCF-style: chr3-57131714-C-A.
Other names: c.1585G>T, p.Glu529Ter (NM_001318864.2); short protein forms E673*, E529*.
Identifiers: ClinVar variation 5006669 (VCV005006669.2).